The following is an entry in ClinVar:

ClinVar aggregate classification (germline): Pathogenic. Review status: reviewed by expert panel (3 of 4 stars). 12 submissions from 12 submitters: Pathogenic (1). 11 of the submissions do not count toward it. Last evaluated 2016-09-08.

Conditions:
Hereditary cancer-predisposing syndrome. Also called: Tumor predisposition; Neoplastic Syndromes, Hereditary; Hereditary Cancer Syndrome; Hereditary neoplastic syndrome. Identifiers: Orphanet 140162, MedGen C0027672, MeSH D009386, MONDO:0015356.
Hereditary breast ovarian cancer syndrome. Also called: Hereditary breast and ovarian cancer syndrome (HBOC); Hereditary breast and ovarian cancer syndrome; Hereditary breast and ovarian cancer; Hereditary breast and/or ovarian cancer syndrome; Breast and ovarian cancer; BRCA1- and BRCA2-Associated Hereditary Breast and Ovarian Cancer. Identifiers: Orphanet 145, MedGen C0677776, MeSH D061325, MONDO:0003582. Disease mechanism: loss of function.
Breast-ovarian cancer, familial, susceptibility to, 2 (BROVCA2). Also called: BRCA2 Hereditary Breast and Ovarian Cancer. Identifiers: Orphanet 145, MedGen C2675520, MONDO:0012933, OMIM 612555. Disease mechanism: loss of function.
Breast-ovarian cancer, familial, susceptibility to, 1 (BROVCA1). Also called: OVARIAN CANCER, SUSCEPTIBILITY TO; BRCA1 Hereditary Breast and Ovarian Cancer. Identifiers: Orphanet 145, MedGen C2676676, MONDO:0011450, OMIM 604370. Disease mechanism: loss of function.
Malignant tumor of breast. Also called: Malignant breast neoplasm; Cancer breast. Identifiers: MedGen C0006142, MONDO:0007254. Disease mechanism: loss of function.

Submissions (12):

Evidence-based Network for the Interpretation of Germline Mutant Alleles (ENIGMA)
Classification: Pathogenic for Breast-ovarian cancer, familial, susceptibility to, 2. Last evaluated: 2016-09-08. Review status: reviewed by expert panel. Criteria: ENIGMA BRCA1/2 Classification Criteria (2015). Collection method: curation. Allele origin: germline.
Comment: Variant allele predicted to encode a truncated non-functional protein.

Labcorp Genetics (formerly Invitae), Labcorp
Classification: Pathogenic for Hereditary breast ovarian cancer syndrome. Last evaluated: 2026-02-02. Review status: criteria provided, single submitter. Criteria: Invitae Variant Classification Sherloc (09022015). Collection method: clinical testing. Allele origin: germline. Not counted in ClinVar's aggregate classification.
Comment: This sequence change creates a premature translational stop signal (p.Asp885Metfs*9) in the BRCA2 gene. It is expected to result in an absent or disrupted protein product. Loss-of-function variants in BRCA2 are known to be pathogenic (PMID: 20104584). This variant is present in population databases (rs760792406, gnomAD 0.002%). This premature translational stop signal has been observed in individual(s) with hereditary breast cancer (PMID: 22762150). ClinVar contains an entry for this variant (Variation ID: 51322). For these reasons, this variant has been classified as Pathogenic.

GeneDx
Classification: Pathogenic. Last evaluated: 2025-09-18. Review status: criteria provided, single submitter. Criteria: GeneDx Variant Classification Process June 2021. Collection method: clinical testing. Allele origin: germline. Affected: yes. Not counted in ClinVar's aggregate classification.
Comment: Frameshift variant predicted to result in protein truncation or nonsense mediated decay in a gene for which loss of function is a known mechanism of disease; Not observed at significant frequency in large population cohorts (gnomAD); Truncating variants in this gene are considered pathogenic by a well-established clinical consortium and/or database; Also known as 2881_2884delGACA; This variant is associated with the following publications: (PMID: 30720243, 36367610, 23929434, 22762150, 28152038, 31447099, 38201513, 34413315, 36451132, 33077847, 29922827, 29625052, 33461583)

Institute of Immunology and Genetics Kaiserslautern
Classification: Pathogenic for Breast-ovarian cancer, familial, susceptibility to, 1. Last evaluated: 2024-07-31. Review status: criteria provided, single submitter. Criteria: ACMG Guidelines, 2015. Collection method: clinical testing. Allele origin: germline. Affected: no. Not counted in ClinVar's aggregate classification.
Comment: ACMG Criteria: PVS1, PM2, PP5_m; Variant was found in heterozygous state

Quest Diagnostics Nichols Institute San Juan Capistrano
Classification: Pathogenic. Last evaluated: 2024-02-07. Review status: criteria provided, single submitter. Criteria: Quest Diagnostics criteria. Collection method: clinical testing. Allele origin: unknown. Not counted in ClinVar's aggregate classification.
Comment: The BRCA2 c.2653_2656del (p.Asp885Metfs*9) variant alters the translational reading frame of the BRCA2 mRNA and causes the premature termination of BRCA2 protein synthesis. This variant has been reported in the published literature in carrier individuals (PMIDs: 22762150 (2012), 30720243 (2019), and 34413315 (2021)). The frequency of this variant in the general population, 0.0000087 (2/228720 chromosomes (Genome Aggregation Database)), is consistent with pathogenicity. Based on the available information, this variant is classified as pathogenic.

Ambry Genetics
Classification: Pathogenic for Hereditary cancer-predisposing syndrome. Last evaluated: 2023-05-16. Review status: criteria provided, single submitter. Criteria: Ambry Variant Classification Scheme 2023. Collection method: clinical testing. Allele origin: germline. Not counted in ClinVar's aggregate classification.
Comment: The c.2653_2656delGACA pathogenic mutation, located in coding exon 10 of the BRCA2 gene, results from a deletion of 4 nucleotides between positions 2653 and 2656, causing a translational frameshift with a predicted alternate stop codon (p.D885Mfs*9). This alteration was observed in two families from a French cohort; however, no information is available regarding cancer history (Lecarpentier J et al. Breast Cancer Res. 2012 Jul;14(4):R99). In addition to the clinical data presented in the literature, this alteration is expected to result in loss of function by premature protein truncation or nonsense-mediated mRNA decay. As such, this alteration is interpreted as a disease-causing mutation.

Color Diagnostics, LLC DBA Color Health
Classification: Pathogenic for Hereditary cancer-predisposing syndrome. Last evaluated: 2020-09-29. Review status: criteria provided, single submitter. Criteria: ACMG Guidelines, 2015. Collection method: clinical testing. Allele origin: germline. Not counted in ClinVar's aggregate classification.
Comment: This variant deletes 4 nucleotides in exon 11 of the BRCA2 gene, creating a frameshift and premature translation stop signal. This variant is expected to result in an absent or non-functional protein product. To our knowledge, this variant has not been reported in individuals affected with hereditary cancer in the literature. This variant has been identified in 2/228720 chromosomes in the general population by the Genome Aggregation Database (gnomAD). Loss of BRCA2 function is a known mechanism of disease. Based on the available evidence, this variant is classified as Pathogenic.

Clinical Genetics and Genomics, Karolinska University Hospital
Classification: Pathogenic. Last evaluated: 2019-12-02. Review status: criteria provided, single submitter. Criteria: ACMG Guidelines, 2015. Collection method: clinical testing. Allele origin: germline. Affected: yes. Observed: 2 variant alleles. Not counted in ClinVar's aggregate classification.

Consortium of Investigators of Modifiers of BRCA1/2 (CIMBA), c/o University of Cambridge
Classification: Pathogenic for Breast-ovarian cancer, familial, susceptibility to, 2. Last evaluated: 2015-10-02. Review status: criteria provided, single submitter. Criteria: CIMBA Mutation Classification guidelines May 2016. Collection method: clinical testing. Allele origin: germline. Not counted in ClinVar's aggregate classification.

Research Molecular Genetics Laboratory, Women's College Hospital, University of Toronto
Classification: Pathogenic for Hereditary breast ovarian cancer syndrome. Last evaluated: 2014-01-31. Review status: no assertion criteria provided. Collection method: research. Allele origin: germline. Affected: yes. Study: The Canadian Open Genetics Repository (COGR). Not counted in ClinVar's aggregate classification.

Breast Cancer Information Core (BIC) (BRCA2)
Classification: Pathogenic for Breast-ovarian cancer, familial 2. Last evaluated: 2002-05-29. Review status: no assertion criteria provided. Collection method: clinical testing. Allele origin: germline. Affected: yes. Observed: 2 variant alleles. Not counted in ClinVar's aggregate classification.

Department of Pathology and Laboratory Medicine, Sinai Health System
Classification: Pathogenic for Malignant tumor of breast. Review status: no assertion criteria provided. Collection method: clinical testing. Allele origin: unknown. Affected: yes. Study: The Canadian Open Genetics Repository (COGR). Not counted in ClinVar's aggregate classification.
Comment: The p.Asp885MetfsX9 deletion has been previously reported in the UMD (2X) and BIC databases as clinically important. It is predicted to cause a frameshift, which alters the protein's amino acid sequence beginning at codon 885 and leads to a premature stop codon 9 amino acids downstream. This alteration is then predicted to lead to a truncated or absent protein and loss of function. Loss of function variants of the BRCA2 gene is an established disease mechanism and is the type of variant expected to cause hereditary breast and ovarian cancer. In summary, based on the above information, this deletion is classified as pathogenic.

Literature cited by the submitters: PubMed 20104584 (cited by Labcorp Genetics (formerly Invitae), Labcorp); PubMed 22762150 (cited by 3 submitters); PubMed 34413315 (cited by Quest Diagnostics Nichols Institute San Juan Capistrano); PubMed 31447099 (cited by Quest Diagnostics Nichols Institute San Juan Capistrano); PubMed 30720243 (cited by Quest Diagnostics Nichols Institute San Juan Capistrano).

NM_000059.4(BRCA2):c.2653_2656del (p.Asp885fs)

Gene: BRCA2 (BRCA2 DNA repair associated; plus strand). Cytogenetic location: 13q13.1.
Variant type: Deletion.
Coding change: c.2653_2656del on transcript NM_000059.4 (MANE Select); coding-DNA positions 2653 to 2656, 4 bases deleted (GACA; older notation c.2653_2656delGACA).
Protein change: p.Asp885fs; shifts the reading frame from aspartic acid 885.
Molecular consequence: frameshift variant.
Genome position (GRCh38, 1-based): chr13:32,337,008-32,337,011, GACA deleted; deleting any 4 consecutive bases within chr13:32,337,006-32,337,011 gives the same sequence; the c. name uses the placement nearest the transcript's 3' end. VCF-style (leftmost placement, unchanged base first): chr13-32337005-TCAGA-T. GRCh37 (hg19) VCF-style: chr13-32911142-TCAGA-T.
Other names: 2881del4; c.2653_2656delGACA (NM_000059.3).
Identifiers: ClinVar variation 51322 (VCV000051322.29), dbSNP rs80359340, ClinGen allele CA015942.